The following is an entry in ClinVar:

ClinVar aggregate classification (germline): Benign (0 of 4 stars; one submission).

Conditions:
PDXDC1-related disorder. Also called: PDXDC1-related condition.

Allele frequency attached by ClinVar (database versions not stated): 1000 Genomes Project 0.19609; 1000 Genomes Project 30x 0.19706; ESP Exome Variant Server 0.23072; gnomAD 0.23752; ExAC 0.23883; TOPMed 0.24252.
gnomAD v4.1: 398,397 of 1,604,782 alleles (25%); highest among the groups gnomAD compares: Admixed American, 35%; 51,225 homozygotes.

Submission:

PreventionGenetics, part of Exact Sciences
Classification: Benign for PDXDC1-related condition. Last evaluated: 2019-10-21. Review status: no assertion criteria provided. Collection method: clinical testing. Allele origin: germline.
Comment: This variant is classified as benign based on ACMG/AMP sequence variant interpretation guidelines (Richards et al. 2015 PMID: 25741868, with internal and published modifications).

NM_015027.4(PDXDC1):c.2002+6A>G

Gene: PDXDC1 (pyridoxal dependent decarboxylase domain containing 1). Cytogenetic location: 16p13.11.
Variant type: single nucleotide variant.
Coding change: c.2002+6A>G on transcript NM_015027.4 (MANE Select); 6 bases into the intron after coding-DNA position 2002, A replaced by G.
Molecular consequence: intron variant.
Genome position (GRCh38, 1-based): chr16:15,034,559, A>G. VCF-style: chr16-15034559-A-G. GRCh37 (hg19) VCF-style: chr16-15128416-A-G.
Other names: c.1957+6A>G (NM_001285447.1); c.1729+6A>G (NM_001285448.1); c.1399+4503A>G (NM_001285449.2); c.1318+4503A>G (NM_001324021.2); c.1396+4503A>G (NM_001324020.2); c.1921+6A>G (NM_001285444.2); c.1999+6A>G (NM_001324019.2); c.1918+6A>G (NM_001285445.2).
Identifiers: ClinVar variation 3055664 (VCV003055664.2), dbSNP rs35811052, ClinGen allele CA7915549.